The following is an entry in ClinVar:

NM_177438.3(DICER1):c.816G>C (p.Met272Ile)

Gene: DICER1 (dicer 1, ribonuclease III; minus strand). Cytogenetic location: 14q32.13.
Variant type: single nucleotide variant.
Coding change: c.816G>C on transcript NM_177438.3 (MANE Select); coding-DNA position 816, G replaced by C.
Protein change: p.Met272Ile; replaces methionine 272 with isoleucine.
Molecular consequence: missense variant.
Genome position (GRCh38, 1-based): chr14:95,126,667, C>G on the plus strand (G>C on the coding strand, the complement: DICER1 is on the minus strand). VCF-style: chr14-95126667-C-G. GRCh37 (hg19) VCF-style: chr14-95593004-C-G.
Other names: c.816G>C, p.Met272Ile (NM_001195573.1, NM_001271282.3, NM_001291628.2 and 1 more transcripts); short protein forms M272I.
Identifiers: ClinVar variation 576696 (VCV000576696.10), dbSNP rs1566806837, ClinGen allele CA390887664.

ClinVar aggregate classification (germline): Uncertain significance. Review status: criteria provided, multiple submitters, no conflicts (2 of 4 stars). 2 submissions from 2 submitters: Uncertain significance (2). Last evaluated 2024-03-16.

Conditions:
Hereditary cancer-predisposing syndrome. Also called: Hereditary neoplastic syndrome; Tumor predisposition; Hereditary Cancer Syndrome; Neoplastic Syndromes, Hereditary. Identifiers: Orphanet 140162, MedGen C0027672, MeSH D009386, MONDO:0015356.
DICER1-related tumor predisposition. Also called: DICER1 syndrome; DICER1-related pleuropulmonary blastoma cancer predisposition syndrome. Identifiers: Orphanet 284343, MedGen C3839822, MONDO:0100216.

Allele frequency attached by ClinVar (database versions not stated): gnomAD exomes below 0.00001.
gnomAD v4.1: 4 of 1,591,510 alleles (0.00025%); highest among the groups gnomAD compares: Non-Finnish European, 0.00034%; no homozygotes.

Submissions (2):

Labcorp Genetics (formerly Invitae), Labcorp
Classification: Uncertain significance for DICER1-related tumor predisposition. Last evaluated: 2024-03-16. Review status: criteria provided, single submitter. Criteria: Invitae Variant Classification Sherloc (09022015). Collection method: clinical testing. Allele origin: germline.
Comment: This sequence change replaces methionine, which is neutral and non-polar, with isoleucine, which is neutral and non-polar, at codon 272 of the DICER1 protein (p.Met272Ile). This variant is not present in population databases (gnomAD no frequency). This variant has not been reported in the literature in individuals affected with DICER1-related conditions. ClinVar contains an entry for this variant (Variation ID: 576696). Advanced modeling of protein sequence and biophysical properties (such as structural, functional, and spatial information, amino acid conservation, physicochemical variation, residue mobility, and thermodynamic stability) performed at Invitae indicates that this missense variant is not expected to disrupt DICER1 protein function with a negative predictive value of 80%. In summary, the available evidence is currently insufficient to determine the role of this variant in disease. Therefore, it has been classified as a Variant of Uncertain Significance.

Ambry Genetics
Classification: Uncertain significance for Hereditary cancer-predisposing syndrome. Last evaluated: 2024-02-23. Review status: criteria provided, single submitter. Criteria: Ambry Variant Classification Scheme 2023. Collection method: clinical testing. Allele origin: germline.
Comment: The p.M272I variant (also known as c.816G>C), located in coding exon 6 of the DICER1 gene, results from a G to C substitution at nucleotide position 816. The methionine at codon 272 is replaced by isoleucine, an amino acid with highly similar properties. This amino acid position is conserved. In addition, this alteration is predicted to be tolerated by in silico analysis. Based on the available evidence, the clinical significance of this alteration remains unclear.